The following is an entry in ClinVar:

NM_001844.5(COL2A1):c.1175G>A (p.Arg392His)

Gene: COL2A1 (collagen type II alpha 1 chain; minus strand). Cytogenetic location: 12q13.11.
Variant type: single nucleotide variant.
Coding change: c.1175G>A on transcript NM_001844.5 (MANE Select); coding-DNA position 1175, G replaced by A.
Protein change: p.Arg392His; replaces arginine 392 with histidine.
Molecular consequence: missense variant.
Genome position (GRCh38, 1-based): chr12:47,987,657, C>T on the plus strand (G>A on the coding strand, the complement: COL2A1 is on the minus strand). VCF-style: chr12-47987657-C-T. GRCh37 (hg19) VCF-style: chr12-48381440-C-T.
Other names: c.968G>A, p.Arg323His (NM_033150.3); short protein forms R323H, R392H.
Identifiers: ClinVar variation 1306239 (VCV001306239.29), dbSNP rs201953356, ClinGen allele CA6535585.

ClinVar aggregate classification (germline): Conflicting classifications of pathogenicity. Review status: criteria provided, conflicting classifications (1 of 4 stars). 4 submissions from 4 submitters: Uncertain significance (2); Likely benign (2). Last evaluated 2025-12-18.

Allele frequency attached by ClinVar (database versions not stated): gnomAD exomes 0.00003 and 0.00007; ExAC 0.00007; TOPMed 0.00001; gnomAD 0.00002.
gnomAD v4.1: 49 of 1,613,222 alleles (0.003%); highest among the groups gnomAD compares: Admixed American, 0.0033%; no homozygotes.

Submissions (4):

Labcorp Genetics (formerly Invitae), Labcorp
Classification: Likely benign. Last evaluated: 2025-12-18. Review status: criteria provided, single submitter. Criteria: Invitae Variant Classification Sherloc (09022015). Collection method: clinical testing. Allele origin: germline.

CeGaT Center for Human Genetics Tuebingen
Classification: Uncertain significance. Last evaluated: 2024-01-01. Review status: criteria provided, single submitter. Criteria: CeGaT Center For Human Genetics Tuebingen Variant Classification Criteria Version 2. Collection method: clinical testing. Allele origin: germline. Affected: yes. Observed: 1 variant allele.

Blueprint Genetics
Classification: Likely benign. Last evaluated: 2021-07-19. Review status: criteria provided, single submitter. Criteria: ACMG Guidelines, 2015. Collection method: clinical testing. Allele origin: germline.

GeneDx
Classification: Uncertain significance. Last evaluated: 2021-01-08. Review status: criteria provided, single submitter. Criteria: GeneDx Variant Classification Process June 2021. Collection method: clinical testing. Allele origin: germline. Affected: yes.
Comment: In silico analysis supports that this missense variant has a deleterious effect on protein structure/function; Has not been previously published as pathogenic or benign to our knowledge